The following is an entry in ClinVar:

NM_017780.4(CHD7):c.487C>T (p.Gln163Ter)

Gene: CHD7 (chromodomain helicase DNA binding protein 7; plus strand). Cytogenetic location: 8q12.2.
Variant type: single nucleotide variant.
Coding change: c.487C>T on transcript NM_017780.4 (MANE Select); coding-DNA position 487, C replaced by T.
Protein change: p.Gln163Ter; replaces glutamine 163 with a stop codon.
Molecular consequence: nonsense.
Genome position (GRCh38, 1-based): chr8:60,741,919, C>T. VCF-style: chr8-60741919-C-T. GRCh37 (hg19) VCF-style: chr8-61654478-C-T.
Other names: c.487C>T, p.Gln163Ter (NM_001316690.1); short protein forms Q163*.
Identifiers: ClinVar variation 2664742 (VCV002664742.2), dbSNP rs2487264288, ClinGen allele CA371297568.

ClinVar aggregate classification (germline): Pathogenic (1 of 4 stars; one submission).

Conditions:
CHARGE syndrome (CHARGE). Also called: Hittner Hirsch Kreh syndrome; CHARGE ASSOCIATION--COLOBOMA, HEART ANOMALY, CHOANAL ATRESIA, RETARDATION, GENITAL AND EAR ANOMALIES; Coloboma, heart anomaly, choanal atresia, retardation, genital and ear anomalies; CHARGE association; Hall-Hittner syndrome. Identifiers: Orphanet 138, MedGen C0265354, MONDO:0008965.

Submission:

Genetics and Molecular Pathology, SA Pathology
Classification: Pathogenic for CHD7-related CHARGE syndrome. Last evaluated: 2022-12-06. Review status: criteria provided, single submitter. Criteria: ACMG Guidelines, 2015. Collection method: clinical testing. Allele origin: germline. Inheritance: Autosomal dominant inheritance. Affected: yes.
Comment: The CHD7 c.487C>T variant is classified as Pathogenic (PVS1, PS2, PM2) The CHD7 c.487C>T variant is a single nucleotide change which is predicted to result in premature termination of the protein product at codon 163 (PVS1). This variant is absent from population databases (PM2). This variant has not been reported in dbSNP, ClinVar or HGMD.